The following is an entry in ClinVar:

NM_020922.5(WNK3):c.4120A>G (p.Lys1374Glu)

Gene: WNK3 (WNK lysine deficient protein kinase 3; minus strand). Cytogenetic location: Xp11.22.
Variant type: single nucleotide variant.
Coding change: c.4120A>G on transcript NM_020922.5 (MANE Select); coding-DNA position 4120, A replaced by G.
Protein change: p.Lys1374Glu; replaces lysine 1374 with glutamic acid.
Molecular consequence: missense variant.
Genome position (GRCh38, 1-based): chrX:54,237,446, T>C on the plus strand (A>G on the coding strand, the complement: WNK3 is on the minus strand). VCF-style: chrX-54237446-T-C. GRCh37 (hg19) VCF-style: chrX-54263879-T-C.
Other names: c.3979A>G, p.Lys1327Glu (NM_001002838.4, NM_001395166.1); short protein forms K1327E, K1374E.
Identifiers: ClinVar variation 5040209 (VCV005040209.1).

ClinVar aggregate classification (germline): Uncertain significance (1 of 4 stars; one submission).

Submission:

CeGaT Center for Human Genetics Tuebingen
Classification: Uncertain significance. Last evaluated: 2026-07-01. Review status: criteria provided, single submitter. Criteria: CeGaT Center For Human Genetics Tuebingen Variant Classification Criteria Version 2. Collection method: clinical testing. Allele origin: germline. Affected: yes. Observed: 1 variant allele.
Comment: WNK3: PM2, BP4